The following is an entry in ClinVar:

ClinVar aggregate classification (germline): Uncertain significance. Review status: criteria provided, multiple submitters, no conflicts (2 of 4 stars). 3 submissions from 3 submitters: Uncertain significance (3). Last evaluated 2024-01-16.

Conditions:
Muscular dystrophy-dystroglycanopathy (congenital with brain and eye anomalies), type A2. Also called: MUSCULAR DYSTROPHY-DYSTROGLYCANOPATHY (CONGENITAL WITH BRAIN AND EYE ANOMALIES), TYPE A, 2; WALKER-WARBURG SYNDROME OR MUSCLE-EYE-BRAIN DISEASE, POMT2-RELATED. Identifiers: Orphanet 588, Orphanet 899, MedGen C3150411, MONDO:0013154, OMIM 613150.
Muscular dystrophy-dystroglycanopathy (congenital with impaired intellectual development), type B, 2. Also called: Muscular dystrophy-dystroglycanopathy (congenital with intellectual disability), type B2; MUSCULAR DYSTROPHY, CONGENITAL, POMT2-RELATED. Identifiers: MedGen C3150416, MONDO:0013160, OMIM 613156.
Autosomal recessive limb-girdle muscular dystrophy type 2N. Also called: Muscular dystrophy-dystroglycanopathy (limb-girdle), type C, 2; MUSCULAR DYSTROPHY-DYSTROGLYCANOPATHY, LIMB-GIRDLE, POMT2-RELATED. Identifiers: Orphanet 206559, MedGen C3150418, MONDO:0013162, OMIM 613158.

Submissions (3):

Labcorp Genetics (formerly Invitae), Labcorp
Classification: Uncertain significance for Muscular dystrophy-dystroglycanopathy (congenital with impaired intellectual development), type B, 2; Muscular dystrophy-dystroglycanopathy (congenital with brain and eye anomalies), type A2; Autosomal recessive limb-girdle muscular dystrophy type 2N. Last evaluated: 2024-01-16. Review status: criteria provided, single submitter. Criteria: Invitae Variant Classification Sherloc (09022015). Collection method: clinical testing. Allele origin: germline.
Comment: This sequence change replaces arginine, which is basic and polar, with proline, which is neutral and non-polar, at codon 75 of the POMT2 protein (p.Arg75Pro). This variant is not present in population databases (gnomAD no frequency). This variant has not been reported in the literature in individuals affected with POMT2-related conditions. ClinVar contains an entry for this variant (Variation ID: 501757). Advanced modeling of protein sequence and biophysical properties (such as structural, functional, and spatial information, amino acid conservation, physicochemical variation, residue mobility, and thermodynamic stability) has been performed at Invitae for this missense variant, however the output from this modeling did not meet the statistical confidence thresholds required to predict the impact of this variant on POMT2 protein function. In summary, the available evidence is currently insufficient to determine the role of this variant in disease. Therefore, it has been classified as a Variant of Uncertain Significance.

Revvity Omics, Revvity
Classification: Uncertain significance. Last evaluated: 2019-03-28. Review status: criteria provided, single submitter. Criteria: ACMG Guidelines, 2015. Collection method: clinical testing. Allele origin: germline.

Eurofins Ntd Llc (ga)
Classification: Uncertain significance. Last evaluated: 2017-05-04. Review status: criteria provided, single submitter. Criteria: EGL Classification Definitions 2015. Collection method: clinical testing. Allele origin: germline. Observed: 1 variant allele, 1 heterozygote.

NM_013382.7(POMT2):c.224G>C (p.Arg75Pro)

Gene: POMT2 (protein O-mannosyltransferase 2; minus strand). Cytogenetic location: 14q24.3.
Variant type: single nucleotide variant.
Coding change: c.224G>C on transcript NM_013382.7 (MANE Select); coding-DNA position 224, G replaced by C.
Protein change: p.Arg75Pro; replaces arginine 75 with proline.
Molecular consequence: missense variant.
Genome position (GRCh38, 1-based): chr14:77,320,458, C>G on the plus strand (G>C on the coding strand, the complement: POMT2 is on the minus strand). VCF-style: chr14-77320458-C-G. GRCh37 (hg19) VCF-style: chr14-77786801-C-G.
Other names: c.224G>C (NM_013382.5); short protein forms R75P.
Identifiers: ClinVar variation 501757 (VCV000501757.11), dbSNP rs1200964688, ClinGen allele CA390504330.
Genomic context (GRCh38, chr14:77,320,458, plus strand): 5'-TGCCATGGTGCCCGCCGAGTCCCTCCCATCACTCACCAGATGTGCGGCGGCTCGTCCAAG[C>G]GGTGGAAGCGGGTGGCGAAGGACAGCAGCGTCACCAAGGCCAGCAGGGCCCACCAGCCGA-3'
Protein context (NP_037514.2, residues 65-85): TLLSFATRFH[Arg75Pro]LDEPPHICWD